The following is an entry in ClinVar:

ClinVar aggregate classification (germline): Benign. Review status: criteria provided, multiple submitters, no conflicts (2 of 4 stars). 3 submissions from 3 submitters: Benign (3). Last evaluated 2026-02-04.

Conditions:
Candidiasis, familial, 8 (CANDF8). Identifiers: Orphanet 1334, MedGen C3714992, MONDO:0014230, OMIM 615527.

Allele frequency attached by ClinVar (database versions not stated): 1000 Genomes Project 0.03634; 1000 Genomes Project 30x 0.03685; TOPMed 0.04934; gnomAD 0.04943 and 0.05042; ExAC 0.05089; ESP Exome Variant Server 0.05167; gnomAD exomes 0.05313 and 0.05651.
gnomAD v4.1: 90,156 of 1,614,154 alleles (5.6%); highest among the groups gnomAD compares: Middle Eastern, 6.1%; 2,724 homozygotes.

Submissions (3):

Labcorp Genetics (formerly Invitae), Labcorp
Classification: Benign for Candidiasis, familial, 8. Last evaluated: 2026-02-04. Review status: criteria provided, single submitter. Criteria: Invitae Variant Classification Sherloc (09022015). Collection method: clinical testing. Allele origin: germline.

Mayo Clinic Laboratories, Mayo Clinic
Classification: Benign. Last evaluated: 2024-03-18. Review status: criteria provided, single submitter. Criteria: ACMG Guidelines, 2015. Collection method: clinical testing. Allele origin: germline. Observed: 12 variant alleles.
Comment: BA1, BS2, BP4_strong

Laboratory for Molecular Medicine, Mass General Brigham Personalized Medicine
Classification: Benign. Last evaluated: 2016-03-29. Review status: criteria provided, single submitter. Criteria: LMM Criteria. Collection method: clinical testing. Allele origin: germline.
Comment: Variant identified in a genome or exome case(s) and assessed due to predicted null impact of the variant or pathogenic assertions in the literature or databases. Disclaimer: This variant has not undergone full assessment. The following are preliminary notes: MAF

Literature cited by the submitters: PubMed 22513239 (cited by Mayo Clinic Laboratories, Mayo Clinic); PubMed 28973304 (cited by Mayo Clinic Laboratories, Mayo Clinic).

NM_147686.4(TRAF3IP2):c.220C>T (p.Arg74Trp)

Genes: TRAF3IP2 (TRAF3 interacting protein 2; minus strand), TRAF3IP2-AS1 (TRAF3IP2 antisense RNA 1; plus strand), LOC114803478 (TRAF3IP2 eExon liver enhancer; plus strand). Cytogenetic location: 6q21.
Variant type: single nucleotide variant.
Coding change: c.220C>T on transcript NM_147686.4 (MANE Select); coding-DNA position 220, C replaced by T.
Protein change: p.Arg74Trp; replaces arginine 74 with tryptophan.
Molecular consequence: missense variant.
Genome position (GRCh38, 1-based): chr6:111,591,867, G>A on the plus strand (C>T on the coding strand, the complement: TRAF3IP2 is on the minus strand). VCF-style: chr6-111591867-G-A. GRCh37 (hg19) VCF-style: chr6-111913070-G-A.
Other names: c.220C>T, p.Arg74Trp (NM_001164281.3); c.247C>T, p.Arg83Trp (NM_147200.3); short protein forms R74W, R83W.
Identifiers: ClinVar variation 403566 (VCV000403566.16), dbSNP rs13190932, ClinGen allele CA3963366.